The following is an entry in ClinVar:

ClinVar aggregate classification (germline): Likely benign (1 of 4 stars; one submission).

gnomAD v4.1: 4 of 1,613,272 alleles (0.00025%); highest among the groups gnomAD compares: Middle Eastern, 0.017%; no homozygotes.

Submission:

CeGaT Center for Human Genetics Tuebingen
Classification: Likely benign. Last evaluated: 2024-07-01. Review status: criteria provided, single submitter. Criteria: CeGaT Center For Human Genetics Tuebingen Variant Classification Criteria Version 2. Collection method: clinical testing. Allele origin: germline. Affected: yes. Observed: 1 variant allele.
Comment: AKAP6: PM2:Supporting, BP4, BP7

NM_004274.5(AKAP6):c.2595A>G (p.Ala865=)

Gene: AKAP6 (A-kinase anchoring protein 6; plus strand). Cytogenetic location: 14q12.
Variant type: single nucleotide variant.
Coding change: c.2595A>G on transcript NM_004274.5 (MANE Select); coding-DNA position 2595, A replaced by G.
Protein change: p.Ala865=; no amino-acid change (alanine 865 retained).
Molecular consequence: synonymous variant.
Genome position (GRCh38, 1-based): chr14:32,600,657, A>G. VCF-style: chr14-32600657-A-G. GRCh37 (hg19) VCF-style: chr14-33069863-A-G.
Identifiers: ClinVar variation 3257199 (VCV003257199.17).